The following is an entry in ClinVar:

NM_021922.3(FANCE):c.518dup (p.Arg176fs)

Gene: FANCE (FA complementation group E; plus strand). Cytogenetic location: 6p21.31.
Variant type: Duplication.
Coding change: c.518dup on transcript NM_021922.3 (MANE Select); coding-DNA position 518, one base duplicated (T; older notation c.518dupT).
Protein change: p.Arg176fs; shifts the reading frame from arginine 176.
Molecular consequence: frameshift variant.
Genome position (GRCh38, 1-based): chr6:35,456,016, T duplicated. VCF-style (leftmost placement, unchanged base first): chr6-35456015-C-CT. GRCh37 (hg19) VCF-style: chr6-35423792-C-CT.
Other names: c.518dup, p.Arg176fs (NM_001410876.1); short protein forms R176fs.
Identifiers: ClinVar variation 2992250 (VCV002992250.3), dbSNP rs2533659338, ClinGen allele CA2578594026.

ClinVar aggregate classification (germline): Pathogenic (1 of 4 stars; one submission).

Conditions:
Fanconi anemia complementation group E (FANCE). Also called: FANCE-Related Fanconi Anemia. Identifiers: Orphanet 84, MedGen C3160739, MONDO:0010953, OMIM 600901.

Allele frequency attached by ClinVar (database versions not stated): gnomAD exomes below 0.00001.

Submission:

Labcorp Genetics (formerly Invitae), Labcorp
Classification: Pathogenic for Fanconi anemia complementation group E. Last evaluated: 2024-04-12. Review status: criteria provided, single submitter. Criteria: Invitae Variant Classification Sherloc (09022015). Collection method: clinical testing. Allele origin: germline.
Comment: This sequence change creates a premature translational stop signal (p.Arg176Glnfs*12) in the FANCE gene. It is expected to result in an absent or disrupted protein product. Loss-of-function variants in FANCE are known to be pathogenic (PMID: 11001585, 17924555). This variant is not present in population databases (gnomAD no frequency). This variant has not been reported in the literature in individuals affected with FANCE-related conditions. For these reasons, this variant has been classified as Pathogenic.

Literature cited by the submitters: PubMed 11001585; PubMed 17924555.